The following is an entry in ClinVar:

NM_172366.4(FBXO16):c.186G>A (p.Leu62=)

Gene: FBXO16 (F-box protein 16; minus strand). Cytogenetic location: 8p21.1.
Variant type: single nucleotide variant.
Coding change: c.186G>A on transcript NM_172366.4 (MANE Select); coding-DNA position 186, G replaced by A.
Protein change: p.Leu62=; no amino-acid change (leucine 62 retained).
Molecular consequence: synonymous variant.
Genome position (GRCh38, 1-based): chr8:28,463,768, C>T on the plus strand (G>A on the coding strand, the complement: FBXO16 is on the minus strand). VCF-style: chr8-28463768-C-T. GRCh37 (hg19) VCF-style: chr8-28321285-C-T.
Other names: c.150G>A, p.Leu50= (NM_001258211.2).
Identifiers: ClinVar variation 4873821 (VCV004873821.2).
Genomic context (GRCh38, chr8:28,463,768, plus strand): 5'-TGGAATTTTCTCTTGAAGCTTTCGACAGCAGAACTTTTGCTGGGACAGCGAGCAGCGCTC[C>T]AACAGGCCTGTGAGGATTCTTCTTCTTTGAGAGTCTGTCCATTTGTCAAACTGGAAACAC-3'
Protein context (NP_758954.1, residues 52-72): SQRRRILTGL[Leu62=]ERCSLSQQKF

ClinVar aggregate classification (germline): Likely benign (1 of 4 stars; one submission).

Submission:

CeGaT Center for Human Genetics Tuebingen
Classification: Likely benign. Last evaluated: 2026-05-01. Review status: criteria provided, single submitter. Criteria: CeGaT Center For Human Genetics Tuebingen Variant Classification Criteria Version 2. Collection method: clinical testing. Allele origin: germline. Affected: yes. Observed: 1 variant allele.
Comment: FBXO16: PM2:Supporting, BP4, BP7